The following is an entry in ClinVar:

ClinVar aggregate classification (germline): conflicting data from submitters (0 of 4 stars; one submission).

Submission:

ISCA site 1
Classification: conflicting data from submitters. Last evaluated: 2011-01-05. Review status: no assertion criteria provided. Collection method: clinical testing. Allele origin: unknown, paternal. Affected: yes. Observed: 2 variant alleles.
Comment: Uncertain significance(1), Likely benign (1)

Copy number variation identified through the course of routine clinical cytogenomic testing in postnatal populations, with clinical assertions as classified by the original submitter. For data from the original published study, Kaminsky, et al. 2011 (PubMed 21844811), please see nstd101.

GRCh38/hg38 Xq27.1-27.2(chrX:141160282-141469623)x1

Genes: LDOC1 (LDOC1 regulator of NFKB signaling; minus strand), SPANXC (SPANX family member C; minus strand). Cytogenetic location: Xq27.1-27.2.
Variant type: copy number loss.
Change: copy number 1 of chrX:141,160,282-141,469,623 (309.3 kb, GRCh38 coordinates, 1-based), cytogenetic band Xq27.1-27.2.
Identifiers: ClinVar variation 146207 (VCV000146207.2).